The following is an entry in ClinVar:

NM_020247.5(COQ8A):c.637C>G (p.Arg213Gly)

Gene: COQ8A (coenzyme Q8A; plus strand). Cytogenetic location: 1q42.13.
Variant type: single nucleotide variant.
Coding change: c.637C>G on transcript NM_020247.5 (MANE Select); coding-DNA position 637, C replaced by G.
Protein change: p.Arg213Gly; replaces arginine 213 with glycine.
Molecular consequence: missense variant.
Genome position (GRCh38, 1-based): chr1:226,965,719, C>G. VCF-style: chr1-226965719-C-G. GRCh37 (hg19) VCF-style: chr1-227153420-C-G.
Other names: short protein forms R213G.
Identifiers: ClinVar variation 806371 (VCV000806371.46), dbSNP rs119468005, ClinGen allele CA345050780.

ClinVar aggregate classification (germline): Likely pathogenic. Review status: criteria provided, multiple submitters, no conflicts (2 of 4 stars). 2 submissions from 2 submitters: Likely pathogenic (2). Last evaluated 2022-05-04.

gnomAD v4.1: 1 of 1,613,896 alleles (0.000062%); highest among the groups gnomAD compares: Middle Eastern, 0.017%; no homozygotes.

Submissions (2):

Labcorp Genetics (formerly Invitae), Labcorp
Classification: Likely pathogenic. Last evaluated: 2022-05-04. Review status: criteria provided, single submitter. Criteria: Invitae Variant Classification Sherloc (09022015). Collection method: clinical testing. Allele origin: germline.
Comment: This variant disrupts the p.Arg213 amino acid residue in COQ8A. Other variant(s) that disrupt this residue have been determined to be pathogenic (PMID: 18319072). This suggests that this residue is clinically significant, and that variants that disrupt this residue are likely to be disease-causing. In summary, the currently available evidence indicates that the variant is pathogenic, but additional data are needed to prove that conclusively. Therefore, this variant has been classified as Likely Pathogenic. Advanced modeling of protein sequence and biophysical properties (such as structural, functional, and spatial information, amino acid conservation, physicochemical variation, residue mobility, and thermodynamic stability) performed at Invitae indicates that this missense variant is expected to disrupt COQ8A protein function. ClinVar contains an entry for this variant (Variation ID: 806371). This missense change has been observed in individual(s) with clinical features of coenzyme Q10 deficiency (PMID: 32337771). This variant is not present in population databases (gnomAD no frequency). This sequence change replaces arginine, which is basic and polar, with glycine, which is neutral and non-polar, at codon 213 of the COQ8A protein (p.Arg213Gly).

CeGaT Center for Human Genetics Tuebingen
Classification: Likely pathogenic. Last evaluated: 2018-12-01. Review status: criteria provided, single submitter. Criteria: CeGaT Center For Human Genetics Tuebingen Variant Classification Criteria Version 2. Collection method: clinical testing. Allele origin: germline. Affected: yes. Observed: 1 variant allele.

Literature cited by the submitters: PubMed 18319072 (cited by Labcorp Genetics (formerly Invitae), Labcorp); PubMed 32337771 (cited by Labcorp Genetics (formerly Invitae), Labcorp).